The following is an entry in ClinVar:

ClinVar aggregate classification (germline): Likely pathogenic. Review status: criteria provided, single submitter (1 of 4 stars). 2 submissions from 2 submitters: Likely pathogenic (1). 1 of the submissions does not count toward it. Last evaluated 2025-01-14.

Conditions:
HEMOGLOBIN SANTA CLARA.

Submissions (2):

ARUP Laboratories, Molecular Genetics and Genomics, ARUP Laboratories
Classification: Likely pathogenic. Last evaluated: 2025-01-14. Review status: criteria provided, single submitter. Criteria: ARUP Molecular Germline Variant Investigation Process 2024. Collection method: clinical testing. Allele origin: germline.
Comment: The Hb Santa Clara variant (HBB: c.292C>A; p.His98Asn also known as His97Asn when numbered from the mature protein, rs33950993, HbVar ID: 927, ClinVar Variation ID: 15607) is reported in the literature in a mother and daughter affected with mild erythrocytosis (Hoyer 2003, HbVar and references therein). This variant is absent from the Genome Aggregation Database (v2.1.1), indicating it is not a common polymorphism. Additionally, amino acid substitutions at this codon (p.His98Gln, Hb Malmo and p.His98Leu, Hb Wood) have been reported in individuals with erythrocytosis and are considered pathogenic (HbVar and references therein). Computational analyses predict that this variant is deleterious (REVEL: 0.783) and functional studies showed Hb Santa Clara is a high-oxygen affinity hemoglobin (Hoyer 2003). Based on available information, this variant is considered to be likely pathogenic. References: Link to HbVar database: Hoyer JD et al. Three new hemoglobin variants with abnormal oxygen affinity: Hb Saratoga Springs [alpha40(C5)Lys --> Asn (alpha1)], Hb Santa Clara [beta97(FG4)His --> Asn], and Hb Sparta [beta103(G5)Phe --> Val]. Hemoglobin. 2003 Nov;27(4):235-41. PMID: 14649314.

OMIM
Classification: other for HEMOGLOBIN SANTA CLARA. Last evaluated: 2017-12-12. Review status: no assertion criteria provided. Collection method: literature only. Allele origin: germline. Not counted in ClinVar's aggregate classification.

Literature cited by the submitters: PubMed 14649314 (cited by OMIM).

NM_000518.4(HBB):c.292C>A (p.His98Asn)

Genes: HBB (hemoglobin subunit beta; minus strand), LOC106099062 (HBB recombination region; plus strand), LOC107133510 (origin of replication at HBB; plus strand). Cytogenetic location: 11p15.4.
Variant type: single nucleotide variant.
Coding change: c.292C>A on transcript NM_000518.4; coding-DNA position 292, C replaced by A.
Protein change: p.His98Asn; replaces histidine 98 with asparagine.
Molecular consequence: missense variant (on NM_000518.5).
Genome position (GRCh38, 1-based): chr11:5,226,600, G>T on the plus strand (C>A on the coding strand, the complement: HBB is on the minus strand). VCF-style: chr11-5226600-G-T. GRCh37 (hg19) VCF-style: chr11-5247830-G-T.
Other names: H97N; c.292C>A, p.His98Asn (NM_000518.5); short protein forms H98N.
Identifiers: ClinVar variation 15607 (VCV000015607.3), dbSNP rs33950993, ClinGen allele CA125523.